The following is an entry in ClinVar:

NM_000051.4(ATM):c.3154-12C>A

Gene: ATM (ATM serine/threonine kinase; plus strand). Cytogenetic location: 11q22.3.
Variant type: single nucleotide variant.
Coding change: c.3154-12C>A on transcript NM_000051.4 (MANE Select); 12 bases into the intron before coding-DNA position 3154, C replaced by A.
Molecular consequence: intron variant.
Genome position (GRCh38, 1-based): chr11:108,272,710, C>A. VCF-style: chr11-108272710-C-A. GRCh37 (hg19) VCF-style: chr11-108143437-C-A.
Other names: c.3154-12C>A (NM_001351834.2, NM_000051.3).
Identifiers: ClinVar variation 2885182 (VCV002885182.5), dbSNP rs781387283, ClinGen allele CA6265213.

ClinVar aggregate classification (germline): Conflicting classifications of pathogenicity. Review status: criteria provided, conflicting classifications (1 of 4 stars). 3 submissions from 3 submitters: Uncertain significance (1); Likely benign (2). Last evaluated 2025-09-14.

Conditions:
Hereditary cancer-predisposing syndrome. Also called: Hereditary Cancer Syndrome; Hereditary neoplastic syndrome; Neoplastic Syndromes, Hereditary; Tumor predisposition. Identifiers: Orphanet 140162, MedGen C0027672, MeSH D009386, MONDO:0015356.
Ataxia-telangiectasia syndrome (AT). Also called: Ataxia-telangiectasia, complementation group E; Ataxia telangiectasia (A-T); LOUIS-BAR SYNDROME; ATAXIA-TELANGIECTASIA, COMPLEMENTATION GROUP A; ATAXIA-TELANGIECTASIA, FRESNO VARIANT; Ataxia-telangiectasia, complementation group D. Identifiers: Orphanet 100, MedGen C0004135, MONDO:0008840, OMIM 208900.

Allele frequency attached by ClinVar (database versions not stated): gnomAD 0.00001.
gnomAD v4.1: 9 of 1,613,744 alleles (0.00056%); highest among the groups gnomAD compares: East Asian, 0.0089%; no homozygotes.

Submissions (3):

Labcorp Genetics (formerly Invitae), Labcorp
Classification: Likely benign for Ataxia-telangiectasia syndrome. Last evaluated: 2025-09-14. Review status: criteria provided, single submitter. Criteria: Invitae Variant Classification Sherloc (09022015). Collection method: clinical testing. Allele origin: germline.

Color Diagnostics, LLC DBA Color Health
Classification: Likely benign for Hereditary cancer-predisposing syndrome. Last evaluated: 2024-03-11. Review status: criteria provided, single submitter. Criteria: ACMG Guidelines, 2015. Collection method: clinical testing. Allele origin: germline.

Ambry Genetics
Classification: Uncertain significance for Hereditary cancer-predisposing syndrome. Last evaluated: 2015-08-30. Review status: criteria provided, single submitter. Criteria: Ambry Variant Classification Scheme 2023. Collection method: clinical testing. Allele origin: germline.
Comment: The c.3154-12C>A intronic alteration consists of a C to A substitution 12 nucleotides before coding exon 21 in the ATM gene. Based on insufficient or conflicting evidence, the clinical significance of this alteration remains unclear.